The following is an entry in ClinVar:

ClinVar aggregate classification (germline): Uncertain significance (1 of 4 stars; one submission).

Conditions:
Familial thoracic aortic aneurysm and aortic dissection (TAAD). Also called: Thoracic aortic aneurysms and dissections. Identifiers: Orphanet 91387, MedGen C4707243, MONDO:0019625.

Allele frequency attached by ClinVar (database versions not stated): gnomAD exomes below 0.00001.
gnomAD v4.1: 2 of 1,614,162 alleles (0.00012%); highest among the groups gnomAD compares: African/African-American, 0.0013%; no homozygotes.

Submission:

Color Diagnostics, LLC DBA Color Health
Classification: Uncertain significance for Familial thoracic aortic aneurysm and aortic dissection. Last evaluated: 2024-03-06. Review status: criteria provided, single submitter. Criteria: ACMG Guidelines, 2015. Collection method: clinical testing. Allele origin: germline.
Comment: This missense variant replaces asparagine with histidine at codon 1411 of the FBN1 protein. Computational prediction tool suggests that this variant may have deleterious impact on protein structure and function (internally defined REVEL score threshold >=0.7, PMID: 27666373). Splice site prediction tools suggest that this variant may not impact RNA splicing. To our knowledge, functional studies have not been performed for this variant. This variant has not been reported in individuals affected with cardiovascular disorders in the literature. This variant has been identified in 1/251442 chromosomes in the general population by the Genome Aggregation Database (gnomAD). The available evidence is insufficient to determine the role of this variant in disease conclusively. Therefore, this variant is classified as a Variant of Uncertain Significance.

NM_000138.5(FBN1):c.4231A>C (p.Asn1411His)

Genes: FBN1 (fibrillin 1; minus strand), LOC126862124 (CDK7 strongly-dependent group 2 enhancer GRCh37_chr15:48764566-48765765; plus strand). Cytogenetic location: 15q21.1.
Variant type: single nucleotide variant.
Coding change: c.4231A>C on transcript NM_000138.5 (MANE Select); coding-DNA position 4231, A replaced by C.
Protein change: p.Asn1411His; replaces asparagine 1411 with histidine.
Molecular consequence: missense variant.
Genome position (GRCh38, 1-based): chr15:48,472,656, T>G on the plus strand (A>C on the coding strand, the complement: FBN1 is on the minus strand). VCF-style: chr15-48472656-T-G. GRCh37 (hg19) VCF-style: chr15-48764853-T-G.
Other names: short protein forms N1411H.
Identifiers: ClinVar variation 918294 (VCV000918294.4), dbSNP rs1366885432, ClinGen allele CA392318063.
Genomic context (GRCh38, chr15:48,472,656, plus strand): 5'-ATTCACAGCGGTATCCTCCTGGTGCATTGAGGCACTGGCCATTGCCACAGAGATTCAGGT[T>G]CTCAGAGCACTCATCAAGGTCTACAGCCAGAAAGAAACACACGTTACTCTTCCTCGGTTA-3'
Protein context (NP_000129.3, residues 1401-1421): TCTDLDECSE[Asn1411His]LNLCGNGQCL